The following is an entry in ClinVar:

NM_000388.4(CASR):c.328G>C (p.Ala110Pro)

Gene: CASR (calcium sensing receptor; plus strand). Cytogenetic location: 3q21.1.
Variant type: single nucleotide variant.
Coding change: c.328G>C on transcript NM_000388.4 (MANE Select); coding-DNA position 328, G replaced by C.
Protein change: p.Ala110Pro; replaces alanine 110 with proline.
Molecular consequence: missense variant.
Genome position (GRCh38, 1-based): chr3:122,257,223, G>C. VCF-style: chr3-122257223-G-C. GRCh37 (hg19) VCF-style: chr3-121976070-G-C.
Other names: c.328G>C, p.Ala110Pro (NM_001178065.2); short protein forms A110P.
Identifiers: ClinVar variation 2942978 (VCV002942978.3), dbSNP rs2473214633, ClinGen allele CA354362658.

ClinVar aggregate classification (germline): Uncertain significance (1 of 4 stars; one submission).

Conditions:
Autosomal dominant hypocalcemia 1 (HYPOC1). Also called: HYPOCALCEMIA, FAMILIAL. Identifiers: MedGen C3715128, MONDO:0011013, OMIM 601198.
Familial hypocalciuric hypercalcemia (FHH). Also called: Familial benign hypercalcemia. Identifiers: Orphanet 405, MedGen C1809471, MONDO:0018458.

Submission:

Labcorp Genetics (formerly Invitae), Labcorp
Classification: Uncertain significance for Familial hypocalciuric hypercalcemia; Autosomal dominant hypocalcemia 1. Last evaluated: 2023-01-06. Review status: criteria provided, single submitter. Criteria: Invitae Variant Classification Sherloc (09022015). Collection method: clinical testing. Allele origin: germline.
Comment: In summary, the available evidence is currently insufficient to determine the role of this variant in disease. Therefore, it has been classified as a Variant of Uncertain Significance. Algorithms developed to predict the effect of missense changes on protein structure and function (SIFT, PolyPhen-2, Align-GVGD) all suggest that this variant is likely to be disruptive. This variant has not been reported in the literature in individuals affected with CASR-related conditions. This variant is not present in population databases (gnomAD no frequency). This sequence change replaces alanine, which is neutral and non-polar, with proline, which is neutral and non-polar, at codon 110 of the CASR protein (p.Ala110Pro).